The following is an entry in ClinVar:

ClinVar aggregate classification (germline): Conflicting classifications of pathogenicity. Review status: criteria provided, conflicting classifications (1 of 4 stars). 3 submissions from 3 submitters: Uncertain significance (2); Likely benign (1). Last evaluated 2025-07-17.

Conditions:
Hereditary cancer-predisposing syndrome. Also called: Tumor predisposition; Hereditary neoplastic syndrome; Neoplastic Syndromes, Hereditary; Hereditary Cancer Syndrome. Identifiers: Orphanet 140162, MedGen C0027672, MeSH D009386, MONDO:0015356.
Hereditary nonpolyposis colorectal neoplasms. Identifiers: MedGen C0009405, MeSH D003123.

Allele frequency attached by ClinVar (database versions not stated): gnomAD exomes below 0.00001.
gnomAD v4.1: 1 of 1,614,156 alleles (0.000062%); highest among the groups gnomAD compares: Non-Finnish European, 0.000085%; no homozygotes.

Submissions (3):

Ambry Genetics
Classification: Likely benign for Hereditary cancer-predisposing syndrome. Last evaluated: 2025-07-17. Review status: criteria provided, single submitter. Criteria: Ambry Variant Classification Scheme 2023. Collection method: clinical testing. Allele origin: germline.

Center for Genomic Medicine, Rigshospitalet, Copenhagen University Hospital
Classification: Uncertain significance. Last evaluated: 2025-03-04. Review status: criteria provided, single submitter. Criteria: ACMG Guidelines, 2015. Collection method: clinical testing. Allele origin: germline.

Labcorp Genetics (formerly Invitae), Labcorp
Classification: Uncertain significance for Hereditary nonpolyposis colorectal neoplasms. Last evaluated: 2019-01-11. Review status: criteria provided, single submitter. Criteria: Invitae Variant Classification Sherloc (09022015). Collection method: clinical testing. Allele origin: germline.
Comment: In summary, the available evidence is currently insufficient to determine the role of this variant in disease. Therefore, it has been classified as a Variant of Uncertain Significance. Algorithms developed to predict the effect of missense changes on protein structure and function are either unavailable or do not agree on the potential impact of this missense change (SIFT: "Tolerated"; PolyPhen-2: "Probably Damaging"; Align-GVGD: "Class C0"). This variant has not been reported in the literature in individuals with MSH6-related conditions. This variant is not present in population databases (ExAC no frequency). This sequence change replaces aspartic acid with asparagine at codon 89 of the MSH6 protein (p.Asp89Asn). The aspartic acid residue is weakly conserved and there is a small physicochemical difference between aspartic acid and asparagine.

NM_000179.3(MSH6):c.265G>A (p.Asp89Asn)

Gene: MSH6 (mutS homolog 6; plus strand). Cytogenetic location: 2p16.3.
Variant type: single nucleotide variant.
Coding change: c.265G>A on transcript NM_000179.3 (MANE Select); coding-DNA position 265, G replaced by A.
Protein change: p.Asp89Asn; replaces aspartic acid 89 with asparagine.
Molecular consequence: missense variant. On other transcripts: 5 prime UTR variant (2), intron variant (1).
Genome position (GRCh38, 1-based): chr2:47,790,931, G>A. VCF-style: chr2-47790931-G-A. GRCh37 (hg19) VCF-style: chr2-48018070-G-A.
Other names: c.-472G>A (NM_001281493.2); c.-638G>A (NM_001281494.2); c.237+7461G>A (NM_001281492.2); short protein forms D89N.
Identifiers: ClinVar variation 844775 (VCV000844775.13), dbSNP rs1668683890, ClinGen allele CA346736456.